The following is an entry in ClinVar:

NM_000053.4(ATP7B):c.1649del (p.Gly550fs)

Gene: ATP7B (ATPase copper transporting beta; minus strand). Cytogenetic location: 13q14.3.
Variant type: Deletion.
Coding change: c.1649del on transcript NM_000053.4 (MANE Select); coding-DNA position 1649, one base deleted (G; older notation c.1649delG).
Protein change: p.Gly550fs; shifts the reading frame from glycine 550.
Molecular consequence: frameshift variant.
Genome position (GRCh38, 1-based): chr13:51,968,502, C deleted on the plus strand (G on the coding strand, the reverse complement: ATP7B is on the minus strand); the first of 3 consecutive C bases (chr13:51,968,502-51,968,504); deleting any one gives the same sequence. VCF-style (leftmost placement, unchanged base first): chr13-51968501-AC-A. GRCh37 (hg19) VCF-style: chr13-52542637-AC-A.
Other names: c.1649del, p.Gly550fs (NM_001005918.3, NM_001330578.2, NM_001330579.2); c.1316del, p.Gly439fs (NM_001243182.2); c.1649delG (NM_000053.3); short protein forms G439fs, G550fs.
Identifiers: ClinVar variation 1417812 (VCV001417812.9), dbSNP rs2139890297, ClinGen allele CA2573149663.

ClinVar aggregate classification (germline): Pathogenic/Likely pathogenic. Review status: criteria provided, multiple submitters, no conflicts (2 of 4 stars). 4 submissions from 4 submitters: Pathogenic (3); Likely pathogenic (1). Last evaluated 2024-04-12.

Conditions:
Wilson disease (WND). Also called: Wilson's disease. Identifiers: Orphanet 905, MedGen C0019202, MONDO:0010200, OMIM 277900. Disease mechanism: loss of function.

Submissions (4):

Natera, Inc.
Classification: Pathogenic for Wilson disease. Last evaluated: 2024-04-12. Review status: criteria provided, single submitter. Criteria: Natera Variant Classification Schema (03/2026). Collection method: clinical testing. Allele origin: germline.
Comment: The c.1649delG variant in ATP7B is a frameshift variant predicted to shift the reading frame beginning at codon 550 and leads to a stop codon 19 codons downstream. This variant is expected to result in nonsense mediated decay, truncation, or a dysfunctional protein product. This variant is rare in the general population with a frequency below the threshold expected for the associated phenotype(s). This variant has been observed in one or more individuals affected with the associated recessive disease, as either homozygous or compound heterozygous with a second variant (PMID: 35220961). Given the available evidence, this variant is classified as Pathogenic.

Baylor Genetics
Classification: Likely pathogenic for Wilson disease. Last evaluated: 2024-03-18. Review status: criteria provided, single submitter. Criteria: ACMG Guidelines, 2015. Collection method: clinical testing. Allele origin: unknown.

Myriad Genetics, Inc.
Classification: Pathogenic for Wilson disease. Last evaluated: 2024-01-05. Review status: criteria provided, single submitter. Criteria: Myriad Autosomal Dominant, Autosomal Recessive and X-Linked Classification Criteria (2023). Collection method: clinical testing. Allele origin: unknown.
Comment: NM_000053.3(ATP7B):c.1649delG(G550Vfs*19) is expected to be pathogenic in the context of Wilson disease. This variant is predicted to lead to an abnormal or absent protein product due to the creation of a premature termination codon in ATP7B, a gene where loss-of-function variants are known to be pathogenic. Please note: this variant was assessed in the context of healthy population screening.

Labcorp Genetics (formerly Invitae), Labcorp
Classification: Pathogenic for Wilson disease. Last evaluated: 2023-02-01. Review status: criteria provided, single submitter. Criteria: Invitae Variant Classification Sherloc (09022015). Collection method: clinical testing. Allele origin: germline.
Comment: For these reasons, this variant has been classified as Pathogenic. ClinVar contains an entry for this variant (Variation ID: 1417812). This variant has not been reported in the literature in individuals affected with ATP7B-related conditions. This variant is not present in population databases (gnomAD no frequency). This sequence change creates a premature translational stop signal (p.Gly550Valfs*19) in the ATP7B gene. It is expected to result in an absent or disrupted protein product. Loss-of-function variants in ATP7B are known to be pathogenic (PMID: 10441329, 16283883).

Literature cited by the submitters: PubMed 35220961 (cited by Natera, Inc.); PubMed 10441329 (cited by Labcorp Genetics (formerly Invitae), Labcorp); PubMed 16283883 (cited by Labcorp Genetics (formerly Invitae), Labcorp).